The following is an entry in ClinVar:

ClinVar aggregate classification (germline): Conflicting classifications of pathogenicity. Review status: criteria provided, conflicting classifications (1 of 4 stars). 3 submissions from 3 submitters: Uncertain significance (2); Benign (1). Last evaluated 2025-07-23.

Conditions:
Inborn genetic diseases. Identifiers: MedGen C0950123, MeSH D030342.

Allele frequency attached by ClinVar (database versions not stated): gnomAD 0.00003 and 0.00004; TOPMed 0.00004.

Submissions (3):

Labcorp Genetics (formerly Invitae), Labcorp
Classification: Benign. Last evaluated: 2025-07-23. Review status: criteria provided, single submitter. Criteria: Invitae Variant Classification Sherloc (09022015). Collection method: clinical testing. Allele origin: germline.

Ambry Genetics
Classification: Uncertain significance for Inborn genetic diseases. Last evaluated: 2024-03-01. Review status: criteria provided, single submitter. Criteria: Ambry Variant Classification Scheme 2023. Collection method: clinical testing. Allele origin: germline.

GeneDx
Classification: Uncertain significance. Last evaluated: 2019-12-05. Review status: criteria provided, single submitter. Criteria: GeneDx Variant Classification Process June 2021. Collection method: clinical testing. Allele origin: germline. Affected: yes.
Comment: In silico analysis, which includes protein predictors and evolutionary conservation, supports a deleterious effect; Occurs in the triple helical domain at the X position in the canonical Gly-X-Y repeat; although this variant may have an effect on normal protein folding and function, missense substitution at the X position is not a common mechanism of disease (Stenson et al., 2014); Has not been previously published as pathogenic or benign to our knowledge

NM_001844.5(COL2A1):c.2368C>T (p.Pro790Ser)

Gene: COL2A1 (collagen type II alpha 1 chain; minus strand). Cytogenetic location: 12q13.11.
Variant type: single nucleotide variant.
Coding change: c.2368C>T on transcript NM_001844.5 (MANE Select); coding-DNA position 2368, C replaced by T.
Protein change: p.Pro790Ser; replaces proline 790 with serine.
Molecular consequence: missense variant.
Genome position (GRCh38, 1-based): chr12:47,981,817, G>A on the plus strand (C>T on the coding strand, the complement: COL2A1 is on the minus strand). VCF-style: chr12-47981817-G-A. GRCh37 (hg19) VCF-style: chr12-48375600-G-A.
Other names: c.2161C>T, p.Pro721Ser (NM_033150.3); short protein forms P790S, P721S.
Identifiers: ClinVar variation 857771 (VCV000857771.12), dbSNP rs1306517572, ClinGen allele CA384545535.